The following is an entry in ClinVar:

ClinVar aggregate classification (germline): Uncertain significance (1 of 4 stars; one submission).

gnomAD v4.1: 1 of 1,608,716 alleles (0.000062%); highest among the groups gnomAD compares: African/African-American, 0.0013%; no homozygotes.

Submission:

GeneDx
Classification: Uncertain significance. Last evaluated: 2026-04-14. Review status: criteria provided, single submitter. Criteria: GeneDx Variant Classification Process June 2021. Collection method: clinical testing. Allele origin: germline.
Comment: Not observed at significant frequency in large population cohorts (gnomAD); In silico analysis supports that this missense variant has a deleterious effect on protein structure/function; Has not been previously published as pathogenic or benign to our knowledge

NM_005327.7(HADH):c.128C>G (p.Ala43Gly)

Gene: HADH (hydroxyacyl-CoA dehydrogenase; plus strand). Cytogenetic location: 4q25.
Variant type: single nucleotide variant.
Coding change: c.128C>G on transcript NM_005327.7 (MANE Select); coding-DNA position 128, C replaced by G.
Protein change: p.Ala43Gly; replaces alanine 43 with glycine.
Molecular consequence: missense variant.
Genome position (GRCh38, 1-based): chr4:107,990,060, C>G. VCF-style: chr4-107990060-C-G. GRCh37 (hg19) VCF-style: chr4-108911216-C-G.
Other names: c.128C>G, p.Ala43Gly (NM_001184705.4); short protein forms A43G.
Identifiers: ClinVar variation 5037081 (VCV005037081.1).